The following is an entry in ClinVar:

ClinVar aggregate classification (germline): Pathogenic. Review status: criteria provided, single submitter (1 of 4 stars). 2 submissions from 2 submitters: Pathogenic (1). 1 of the submissions does not count toward it. Last evaluated 2025-05-28.

Conditions:
Ornithine carbamoyltransferase deficiency (OTCD). Also called: ORNITHINE TRANSCARBAMYLASE DEFICIENCY, HYPERAMMONEMIA DUE TO; ORNITHINE TRANSCARBAMYLASE DEFICIENCY; OTC DEFICIENCY; Ornithine Carbamoyltransferase Deficiency Disease. Identifiers: Orphanet 664, MedGen C0268542, MONDO:0010703, OMIM 311250.

Submissions (2):

Variantyx, Inc.
Classification: Pathogenic for Ornithine carbamoyltransferase deficiency. Last evaluated: 2025-05-28. Review status: criteria provided, single submitter. Criteria: Variantyx Assertion Criteria 2022. Collection method: clinical testing. Allele origin: maternal. Inheritance: X-linked inheritance. Affected: yes.
Comment: This is a nonsense variant in the OTC gene (OMIM: 300461). Pathogenic variants in this gene have been associated with X-linked ornithine transcarbamylase deficiency. This variant introduces a premature termination codon in exon 9 out of 10 and is expected to result in loss of function, which is a known disease mechanism for OTC in this disorder (PMID: 10946359, 16786505, 11793468) (PVS1). This variant has been reported in at least one unrelated affected individual (PMID: 11793468) (PS4_Moderate) and is absent from control populations (PM2). Based on the current evidence, this variant is classified as pathogenic for X-linked ornithine transcarbamylase deficiency.

GenMed Metabolism Lab
Classification: Pathogenic. Review status: no assertion criteria provided. Collection method: not provided. Allele origin: unknown. Not counted in ClinVar's aggregate classification.
Comment: p.Ser321X, Neonatal
ClinVar note: Converted during submission from pathogenic to Pathogenic.

Literature cited by the submitters: PubMed 10946359 (cited by Variantyx, Inc.); PubMed 16786505 (cited by Variantyx, Inc.); PubMed 11793468 (cited by Variantyx, Inc.).

NM_000531.6(OTC):c.962C>A (p.Ser321Ter)

Gene: OTC (ornithine transcarbamylase; plus strand). Cytogenetic location: Xp11.4.
Variant type: single nucleotide variant.
Coding change: c.962C>A on transcript NM_000531.6 (MANE Select); coding-DNA position 962, C replaced by A.
Protein change: p.Ser321Ter; replaces serine 321 with a stop codon.
Molecular consequence: nonsense.
Genome position (GRCh38, 1-based): chrX:38,411,956, C>A. VCF-style: chrX-38411956-C-A. GRCh37 (hg19) VCF-style: chrX-38271209-C-A.
Other names: short protein forms S321*.
Identifiers: ClinVar variation 97373 (VCV000097373.2), dbSNP rs72558475, ClinGen allele CA224859.